The following is an entry in ClinVar:

NM_005120.3(MED12):c.1618-3C>T

Genes: MED12 (mediator complex subunit 12; plus strand), LOC126863275 (BRD4-independent group 4 enhancer GRCh37_chrX:70342400-70343599; plus strand). Cytogenetic location: Xq13.1.
Variant type: single nucleotide variant.
Coding change: c.1618-3C>T on transcript NM_005120.3 (MANE Select); 3 bases into the intron before coding-DNA position 1618, C replaced by T.
Molecular consequence: intron variant.
Genome position (GRCh38, 1-based): chrX:71,123,591, C>T. VCF-style: chrX-71123591-C-T. GRCh37 (hg19) VCF-style: chrX-70343441-C-T.
Identifiers: ClinVar variation 2660841 (VCV002660841.25), dbSNP rs771420884, ClinGen allele CA10444212.

ClinVar aggregate classification (germline): Benign/Likely benign. Review status: criteria provided, multiple submitters, no conflicts (2 of 4 stars). 2 submissions from 2 submitters: Benign (1); Likely benign (1). Last evaluated 2025-12-02.

Conditions:
FG syndrome (FGS). Identifiers: MedGen C0220769, MONDO:0002010.

Allele frequency attached by ClinVar (database versions not stated): gnomAD exomes below 0.00001; ExAC 0.00001; gnomAD 0.00001; 1000 Genomes Project 30x 0.00021; 1000 Genomes Project 0.00026.
gnomAD v4.1: 7 of 1,209,195 alleles (0.00058%); highest among the groups gnomAD compares: South Asian, 0.011%; no homozygotes.

Submissions (2):

Labcorp Genetics (formerly Invitae), Labcorp
Classification: Benign for FG syndrome. Last evaluated: 2025-12-02. Review status: criteria provided, single submitter. Criteria: Invitae Variant Classification Sherloc (09022015). Collection method: clinical testing. Allele origin: germline.

CeGaT Center for Human Genetics Tuebingen
Classification: Likely benign. Last evaluated: 2022-12-01. Review status: criteria provided, single submitter. Criteria: CeGaT Center For Human Genetics Tuebingen Variant Classification Criteria Version 2. Collection method: clinical testing. Allele origin: germline. Affected: yes. Observed: 1 variant allele.
Comment: MED12: BP4, BS2